The following is an entry in ClinVar:

NM_024675.4(PALB2):c.3548_3556dup (p.Tyr1185_Ser1186insTyrHisTyr)

Gene: PALB2 (partner and localizer of BRCA2; minus strand). Cytogenetic location: 16p12.2.
Variant type: Duplication.
Coding change: c.3548_3556dup on transcript NM_024675.4 (MANE Select); coding-DNA positions 3548 to 3556, 9 bases duplicated (ACCACTATT; older notation c.3548_3556dupACCACTATT).
Protein change: p.Tyr1185_Ser1186insTyrHisTyr.
Molecular consequence: inframe insertion. On other transcripts: inframe indel (14).
Genome position (GRCh38, 1-based): chr16:23,603,464-23,603,472, AATAGTGGT duplicated on the plus strand (ACCACTATT on the coding strand, the reverse complement: PALB2 is on the minus strand); duplicating any 9 consecutive bases within chr16:23,603,464-23,603,473 gives the same sequence; the c. name uses the placement nearest the transcript's 3' end. VCF-style (leftmost placement, unchanged base first): chr16-23603463-G-GAATAGTGGT. GRCh37 (hg19) VCF-style: chr16-23614784-G-GAATAGTGGT.
Other names: c.2662_2670dup, p.Tyr890_Ser891insTyrHisTyr (NM_001407306.1, NM_001407304.1, NM_001407305.1); c.2500_2508dup, p.Tyr836_Ser837insTyrHisTyr (NM_001407307.1); c.2425_2433dup, p.Tyr811_Ser812insTyrHisTyr (NM_001407308.1, NM_001407309.1); c.*182_*190dup (NM_001407310.1, NM_001407311.1, NM_001407313.1 and 2 more transcripts); c.1759_1767dup, p.Tyr589_Ser590insTyrHisTyr (NM_001407312.1); c.1081_1089dup, p.Tyr363_Ser364insTyrHisTyr (NM_001407314.1); c.3548_3556dupACCACTATT (NM_024675.3); c.3487_3495dup, p.Tyr1165_Ser1166insTyrHisTyr (NM_001407296.1); and 4 more.
Identifiers: ClinVar variation 1732531 (VCV001732531.2), dbSNP rs2506194943, ClinGen allele CA2580091229.

ClinVar aggregate classification (germline): Uncertain significance (1 of 4 stars; one submission).

Conditions:
Hereditary cancer-predisposing syndrome. Also called: Neoplastic Syndromes, Hereditary; Tumor predisposition; Hereditary Cancer Syndrome; Hereditary neoplastic syndrome. Identifiers: Orphanet 140162, MedGen C0027672, MeSH D009386, MONDO:0015356.

Submission:

Ambry Genetics
Classification: Uncertain significance for Hereditary cancer-predisposing syndrome. Last evaluated: 2022-04-18. Review status: criteria provided, single submitter. Criteria: Ambry Variant Classification Scheme 2023. Collection method: clinical testing. Allele origin: germline.
Comment: The c.3548_3556dupACCACTATT variant (also known as p.Y1183_Y1185dup), located in coding exon 13 of the PALB2 gene, results from an in-frame duplication of ACCACTATT at nucleotide positions 3548 to 3556. This results in the duplication of 3 extra residues (YHY) between codons 1183 and 1185. This amino acid region is not well conserved in available vertebrate species. In addition, this alteration is predicted to be neutral by in silico analysis (Choi Y et al. PLoS ONE. 2012; 7(10):e46688). Since supporting evidence is limited at this time, the clinical significance of this alteration remains unclear.